The following is an entry in ClinVar:

ClinVar aggregate classification (germline): Likely pathogenic (1 of 4 stars; one submission).

Conditions:
Familial hypokalemia-hypomagnesemia (GTLMNS). Also called: gitelman syndrome; HYPOMAGNESEMIA-HYPOKALEMIA, PRIMARY RENOTUBULAR, WITH HYPOCALCIURIA; POTASSIUM AND MAGNESIUM DEPLETION. Identifiers: Orphanet 358, MedGen C0268450, MONDO:0009904, OMIM 263800.

Submission:

3billion
Classification: Likely pathogenic for Familial hypokalemia-hypomagnesemia. Last evaluated: 2022-09-01. Review status: criteria provided, single submitter. Criteria: ACMG Guidelines, 2015. Collection method: clinical testing. Allele origin: germline. Affected: yes. Observed: 1 heterozygote.
Comment: The variant is not observed in the gnomAD v2.1.1 dataset. Frameshift variant is predicted to result in a loss or disruption of normal protein function through nonsense-mediated decay (NMD) or protein truncation. Multiple pathogenic variants are reported downstream of the variant. Therefore, this variant is classified as Likely pathogenic according to the recommendation of ACMG/AMP guideline.

NM_001126108.2(SLC12A3):c.979del (p.Gln327fs)

Gene: SLC12A3 (solute carrier family 12 member 3; plus strand). Cytogenetic location: 16q13.
Variant type: Deletion.
Coding change: c.979del on transcript NM_001126108.2 (MANE Select); coding-DNA position 979, one base deleted (C; older notation c.979delC).
Protein change: p.Gln327fs; shifts the reading frame from glutamine 327.
Molecular consequence: frameshift variant.
Genome position (GRCh38, 1-based): chr16:56,872,670, C deleted; the last of 2 consecutive C bases (chr16:56,872,669-56,872,670); deleting either gives the same sequence. VCF-style (leftmost placement, unchanged base first): chr16-56872668-TC-T. GRCh37 (hg19) VCF-style: chr16-56906580-TC-T.
Other names: c.979del, p.Gln327fs (NM_000339.3); c.976del, p.Gln326fs (NM_001126107.2); c.976delC, p.Gln326Argfs (NM_001410896.1); short protein forms Q326fs, Q327fs.
Identifiers: ClinVar variation 1705486 (VCV001705486.1), dbSNP rs2543488643, ClinGen allele CA2580091693.